The following is an entry in ClinVar:

ClinVar aggregate classification (germline): Uncertain significance. Review status: criteria provided, multiple submitters, no conflicts (2 of 4 stars). 2 submissions from 2 submitters: Uncertain significance (2). Last evaluated 2022-08-10.

Conditions:
Hereditary cancer-predisposing syndrome. Also called: Tumor predisposition; Hereditary neoplastic syndrome; Neoplastic Syndromes, Hereditary; Hereditary Cancer Syndrome. Identifiers: Orphanet 140162, MedGen C0027672, MeSH D009386, MONDO:0015356.

Allele frequency attached by ClinVar (database versions not stated): gnomAD 0.00001; TOPMed 0.00002; ESP Exome Variant Server 0.00008.

Submissions (2):

Labcorp Genetics (formerly Invitae), Labcorp
Classification: Uncertain significance for Hereditary cancer-predisposing syndrome. Last evaluated: 2022-08-10. Review status: criteria provided, single submitter. Criteria: Invitae Variant Classification Sherloc (09022015). Collection method: clinical testing. Allele origin: germline.
Comment: In summary, the available evidence is currently insufficient to determine the role of this variant in disease. Therefore, it has been classified as a Variant of Uncertain Significance. Algorithms developed to predict the effect of missense changes on protein structure and function (SIFT, PolyPhen-2, Align-GVGD) all suggest that this variant is likely to be tolerated. ClinVar contains an entry for this variant (Variation ID: 859650). This variant has not been reported in the literature in individuals affected with RAD50-related conditions. This variant is not present in population databases (gnomAD no frequency). This sequence change replaces glutamine, which is neutral and polar, with histidine, which is basic and polar, at codon 354 of the RAD50 protein (p.Gln354His).

Ambry Genetics
Classification: Uncertain significance for Hereditary cancer-predisposing syndrome. Last evaluated: 2022-04-07. Review status: criteria provided, single submitter. Criteria: Ambry Variant Classification Scheme 2023. Collection method: clinical testing. Allele origin: germline.
Comment: The p.Q354H variant (also known as c.1062G>C), located in coding exon 8 of the RAD50 gene, results from a G to C substitution at nucleotide position 1062. The glutamine at codon 354 is replaced by histidine, an amino acid with highly similar properties. This amino acid position is conserved. In addition, this alteration is predicted to be tolerated by in silico analysis. Since supporting evidence is limited at this time, the clinical significance of this alteration remains unclear.

NM_005732.4(RAD50):c.1062G>C (p.Gln354His)

Gene: RAD50 (RAD50 double strand break repair protein; plus strand). Cytogenetic location: 5q31.1.
Variant type: single nucleotide variant.
Coding change: c.1062G>C on transcript NM_005732.4 (MANE Select); coding-DNA position 1062, G replaced by C.
Protein change: p.Gln354His; replaces glutamine 354 with histidine.
Molecular consequence: missense variant.
Genome position (GRCh38, 1-based): chr5:132,588,697, G>C. VCF-style: chr5-132588697-G-C. GRCh37 (hg19) VCF-style: chr5-131924389-G-C.
Other names: short protein forms Q354H.
Identifiers: ClinVar variation 859650 (VCV000859650.13), dbSNP rs369314762, ClinGen allele CA127243701.